The following is an entry in ClinVar:

NM_001080449.3(DNA2):c.2492+4T>C

Gene: DNA2 (DNA replication helicase/nuclease 2; minus strand). Cytogenetic location: 10q21.3.
Variant type: single nucleotide variant.
Coding change: c.2492+4T>C on transcript NM_001080449.3 (MANE Select); 4 bases into the intron after coding-DNA position 2492, T replaced by C.
Molecular consequence: intron variant.
Genome position (GRCh38, 1-based): chr10:68,422,511, A>G on the plus strand (T>C on the coding strand, the complement: DNA2 is on the minus strand). VCF-style: chr10-68422511-A-G. GRCh37 (hg19) VCF-style: chr10-70182268-A-G.
Identifiers: ClinVar variation 744586 (VCV000744586.13), dbSNP rs2273904, ClinGen allele CA5524804.

ClinVar aggregate classification (germline): Benign. Review status: criteria provided, multiple submitters, no conflicts (2 of 4 stars). 3 submissions from 3 submitters: Benign (2). 1 of the submissions does not count toward it. Last evaluated 2025-07-05.

Conditions:
DNA2-related disorder. Also called: DNA2-related condition.

Allele frequency attached by ClinVar (database versions not stated): gnomAD 0.00014 and 0.00031; TOPMed 0.00027; gnomAD exomes 0.00048; ExAC 0.00052; 1000 Genomes Project 30x 0.00125; 1000 Genomes Project 0.00160.
gnomAD v4.1: 586 of 1,613,842 alleles (0.036%); highest among the groups gnomAD compares: East Asian, 1.3%; 5 homozygotes.

Submissions (3):

Labcorp Genetics (formerly Invitae), Labcorp
Classification: Benign. Last evaluated: 2025-07-05. Review status: criteria provided, single submitter. Criteria: Invitae Variant Classification Sherloc (09022015). Collection method: clinical testing. Allele origin: germline.

Breakthrough Genomics
Classification: Benign. Review status: criteria provided, single submitter. Criteria: ACMG Guidelines, 2015. Collection method: not provided. Allele origin: germline. Inheritance: Autosomal recessive inheritance. Affected: yes.

PreventionGenetics, part of Exact Sciences
Classification: Likely benign for DNA2-related condition. Last evaluated: 2019-03-29. Review status: no assertion criteria provided. Collection method: clinical testing. Allele origin: germline. Not counted in ClinVar's aggregate classification.
Comment: This variant is classified as likely benign based on ACMG/AMP sequence variant interpretation guidelines (Richards et al. 2015 PMID: 25741868, with internal and published modifications).